The following is an entry in ClinVar:

ClinVar aggregate classification (germline): Pathogenic (1 of 4 stars; one submission).

Conditions:
Abetalipoproteinaemia (ABL). Also called: MTP DEFICIENCY; Abetalipoproteinemia; Abetalipoproteinemia neuropathy; Apolipoprotein B deficiency; Congenital betalipoprotein deficiency syndrome. Identifiers: Orphanet 14, MedGen C0000744, MONDO:0008692, OMIM 200100, HP:0008181.

Submission:

Myriad Genetics, Inc.
Classification: Pathogenic for Abetalipoproteinaemia. Last evaluated: 2024-05-14. Review status: criteria provided, single submitter. Criteria: Myriad Autosomal Dominant, Autosomal Recessive and X-Linked Classification Criteria (2023). Collection method: clinical testing. Allele origin: unknown.
Comment: NM_000253.2(MTTP):c.847del1ins18(K283Qfs*72) is expected to be pathogenic in the context of abetalipoproteinemia. This variant is predicted to lead to an abnormal or absent protein product due to the creation of a premature termination codon in MTTP, a gene where loss-of-function variants are known to be pathogenic. Please note: this variant was assessed in the context of healthy population screening.

NM_001386140.1(MTTP):c.847delinsCAGATGTGTATAAGAGAC (p.Lys283fs)

Gene: MTTP (microsomal triglyceride transfer protein; plus strand). Cytogenetic location: 4q23.
Variant type: Indel.
Coding change: c.847delinsCAGATGTGTATAAGAGAC on transcript NM_001386140.1 (MANE Select); coding-DNA position 847, A replaced by CAGATGTGTATAAGAGAC.
Protein change: p.Lys283fs; shifts the reading frame from lysine 283.
Molecular consequence: frameshift variant.
Genome position (GRCh38, 1-based): chr4:99,594,821, A replaced by CAGATGTGTATAAGAGAC. VCF-style: chr4-99594821-A-CAGATGTGTATAAGAGAC. GRCh37 (hg19) VCF-style: chr4-100515978-A-CAGATGTGTATAAGAGAC.
Other names: c.847delinsCAGATGTGTATAAGAGAC, p.Lys283fs (NM_000253.4); c.598delinsCAGATGTGTATAAGAGAC, p.Lys200fs (NM_001300785.2); short protein forms K200fs, K283fs.
Identifiers: ClinVar variation 5010499 (VCV005010499.1).